The following is an entry in ClinVar:

NM_001303256.3(MORC2):c.1910C>T (p.Pro637Leu)

Gene: MORC2 (MORC family CW-type zinc finger 2; minus strand). Cytogenetic location: 22q12.2.
Variant type: single nucleotide variant.
Coding change: c.1910C>T on transcript NM_001303256.3 (MANE Select); coding-DNA position 1910, C replaced by T.
Protein change: p.Pro637Leu; replaces proline 637 with leucine.
Molecular consequence: missense variant.
Genome position (GRCh38, 1-based): chr22:30,935,064, G>A on the plus strand (C>T on the coding strand, the complement: MORC2 is on the minus strand). VCF-style: chr22-30935064-G-A. GRCh37 (hg19) VCF-style: chr22-31331051-G-A.
Other names: c.1910C>T, p.Pro637Leu (NM_001303257.2); c.1724C>T, p.Pro575Leu (NM_014941.3); short protein forms P575L, P637L.
Identifiers: ClinVar variation 4709424 (VCV004709424.1).

ClinVar aggregate classification (germline): Uncertain significance (1 of 4 stars; one submission).

Conditions:
Charcot-Marie-Tooth disease axonal type 2Z. Also called: CHARCOT-MARIE-TOOTH DISEASE, AXONAL, AUTOSOMAL DOMINANT, TYPE 2Z; CHARCOT-MARIE-TOOTH NEUROPATHY, TYPE 2Z. Identifiers: Orphanet 466768, MedGen C5569025, MONDO:0014736, OMIM 616688.

Submission:

Labcorp Genetics (formerly Invitae), Labcorp
Classification: Uncertain significance for Charcot-Marie-Tooth disease axonal type 2Z. Last evaluated: 2025-10-01. Review status: criteria provided, single submitter. Criteria: Invitae Variant Classification Sherloc (09022015). Collection method: clinical testing. Allele origin: germline.
Comment: This sequence change replaces proline, which is neutral and non-polar, with leucine, which is neutral and non-polar, at codon 637 of the MORC2 protein (p.Pro637Leu). This variant is not present in population databases (gnomAD no frequency). This variant has not been reported in the literature in individuals affected with MORC2-related conditions. Invitae Evidence Modeling of protein sequence and biophysical properties (such as structural, functional, and spatial information, amino acid conservation, physicochemical variation, residue mobility, and thermodynamic stability) indicates that this missense variant is not expected to disrupt MORC2 protein function with a negative predictive value of 95%. In summary, the available evidence is currently insufficient to determine the role of this variant in disease. Therefore, it has been classified as a Variant of Uncertain Significance.